The following is an entry in ClinVar:

ClinVar aggregate classification (germline): Uncertain significance (1 of 4 stars; one submission).

Conditions:
Inborn genetic diseases. Identifiers: MedGen C0950123, MeSH D030342.

Submission:

Ambry Genetics
Classification: Uncertain significance for Inborn genetic diseases. Last evaluated: 2024-09-18. Review status: criteria provided, single submitter. Criteria: Ambry Variant Classification Scheme 2023. Collection method: clinical testing. Allele origin: germline.
Comment: The p.H1657Y variant (also known as c.4969C>T), located in coding exon 28 of the ATR gene, results from a C to T substitution at nucleotide position 4969. The histidine at codon 1657 is replaced by tyrosine, an amino acid with similar properties. This amino acid position is conserved. In addition, the in silico prediction for this alteration is inconclusive. Based on the available evidence, the clinical significance of this variant remains unclear.

NM_001184.4(ATR):c.4969C>T (p.His1657Tyr)

Gene: ATR (ATR serine/threonine kinase; minus strand). Cytogenetic location: 3q23.
Variant type: single nucleotide variant.
Coding change: c.4969C>T on transcript NM_001184.4 (MANE Select); coding-DNA position 4969, C replaced by T.
Protein change: p.His1657Tyr; replaces histidine 1657 with tyrosine.
Molecular consequence: missense variant.
Genome position (GRCh38, 1-based): chr3:142,507,993, G>A on the plus strand (C>T on the coding strand, the complement: ATR is on the minus strand). VCF-style: chr3-142507993-G-A. GRCh37 (hg19) VCF-style: chr3-142226835-G-A.
Other names: c.4777C>T, p.His1593Tyr (NM_001354579.2); short protein forms H1593Y, H1657Y.
Identifiers: ClinVar variation 3462698 (VCV003462698.1).
Genomic context (GRCh38, chr3:142,507,993, plus strand): 5'-GTAAAAATCCAAGATGTTCCTGAATATTTTGCTTCTTTTCTGTAATAAATGATTCAAAGT[G>A]CATTACAGCTCGTGTGTATGCTTTGGAGCGAAAGGAAGCTACTGCCAGAGTATCCTGGGG-3'
Protein context (NP_001175.2, residues 1647-1667): RSKAYTRAVM[His1657Tyr]FESFITEKKQ